The following is an entry in ClinVar:

ClinVar aggregate classification (germline): Likely pathogenic (1 of 4 stars; one submission).

Submission:

Labcorp Genetics (formerly Invitae), Labcorp
Classification: Likely pathogenic. Last evaluated: 2024-01-24. Review status: criteria provided, single submitter. Criteria: Invitae Variant Classification Sherloc (09022015). Collection method: clinical testing. Allele origin: germline.
Comment: This sequence change affects an acceptor splice site in intron 2 of the NDUFS7 gene. It is expected to disrupt RNA splicing. Variants that disrupt the donor or acceptor splice site typically lead to a loss of protein function (PMID: 16199547), and loss-of-function variants in NDUFS7 are known to be pathogenic (PMID: 17604671). This variant is not present in population databases (gnomAD no frequency). This variant has not been reported in the literature in individuals affected with NDUFS7-related conditions. ClinVar contains an entry for this variant (Variation ID: 1982013). Algorithms developed to predict the effect of sequence changes on RNA splicing suggest that this variant may disrupt the consensus splice site. In summary, the currently available evidence indicates that the variant is pathogenic, but additional data are needed to prove that conclusively. Therefore, this variant has been classified as Likely Pathogenic.

Literature cited by the submitters: PubMed 16199547; PubMed 17604671.

NM_024407.5(NDUFS7):c.54-1G>A

Gene: NDUFS7 (NADH:ubiquinone oxidoreductase core subunit S7; plus strand). Cytogenetic location: 19p13.3.
Variant type: single nucleotide variant.
Coding change: c.54-1G>A on transcript NM_024407.5 (MANE Select); the canonical splice acceptor site of the intron before coding-DNA position 54, G replaced by A.
Molecular consequence: splice acceptor variant.
Genome position (GRCh38, 1-based): chr19:1,388,524, G>A. VCF-style: chr19-1388524-G-A. GRCh37 (hg19) VCF-style: chr19-1388523-G-A.
Other names: c.54-1G>A (NM_001363602.2).
Identifiers: ClinVar variation 1982013 (VCV001982013.4), dbSNP rs2082525102, ClinGen allele CA402982661.